The following is an entry in ClinVar:

NM_001015880.2(PAPSS2):c.222C>G (p.Tyr74Ter)

Gene: PAPSS2 (3'-phosphoadenosine 5'-phosphosulfate synthase 2; plus strand). Cytogenetic location: 10q23.31.
Variant type: single nucleotide variant.
Coding change: c.222C>G on transcript NM_001015880.2 (MANE Select); coding-DNA position 222, C replaced by G.
Protein change: p.Tyr74Ter; replaces tyrosine 74 with a stop codon.
Molecular consequence: nonsense.
Genome position (GRCh38, 1-based): chr10:87,713,151, C>G. VCF-style: chr10-87713151-C-G. GRCh37 (hg19) VCF-style: chr10-89472908-C-G.
Other names: c.222C>G (NM_004670.3); c.222C>G, p.Tyr74Ter (NM_004670.4); short protein forms Y74*.
Identifiers: ClinVar variation 505568 (VCV000505568.11), dbSNP rs374379931, ClinGen allele CA5589383.

ClinVar aggregate classification (germline): Pathogenic/Likely pathogenic. Review status: criteria provided, multiple submitters, no conflicts (2 of 4 stars). 3 submissions from 3 submitters: Pathogenic (1); Likely pathogenic (2). Last evaluated 2022-10-24.

Conditions:
Brachyolmia. Identifiers: Orphanet 1293, MedGen C0432228, MONDO:0015262.
PAPSS2-related disorder. Also called: PAPSS2-related condition.
Spondyloepimetaphyseal dysplasia, PAPSS2 type. Also called: SEMD, PAKISTANI TYPE; BRACHYOLMIA TYPE 4 WITH MILD EPIPHYSEAL AND METAPHYSEAL CHANGES; SPONDYLODYSPLASIA AND PREMATURE PUBARCHE. Identifiers: Orphanet 93282, MedGen C2748516, MONDO:0019666, OMIM 612847.

Allele frequency attached by ClinVar (database versions not stated): ExAC 0.00002; gnomAD exomes 0.00002; gnomAD 0.00004; TOPMed 0.00004; ESP Exome Variant Server 0.00008.

Submissions (3):

PreventionGenetics, part of Exact Sciences
Classification: Likely pathogenic for PAPSS2-related condition. Last evaluated: 2022-10-24. Review status: criteria provided, single submitter. Criteria: ACMG Guidelines, 2015. Collection method: clinical testing. Allele origin: germline.
Comment: The PAPSS2 c.222C>G variant is predicted to result in premature protein termination (p.Tyr74*). To our knowledge this variant has not been reported the literature in affected individuals. This variant is reported in 0.018% of alleles in individuals of African descent in gnomAD. Nonsense variants in PAPSS2 are expected to be pathogenic, and premature termination variants have been reported in association with disease both up and downstream of amino acid 74. This variant is interpreted as likely pathogenic.

Labcorp Genetics (formerly Invitae), Labcorp
Classification: Pathogenic for Spondyloepimetaphyseal dysplasia, PAPSS2 type. Last evaluated: 2022-08-22. Review status: criteria provided, single submitter. Criteria: Invitae Variant Classification Sherloc (09022015). Collection method: clinical testing. Allele origin: germline.
Comment: This sequence change creates a premature translational stop signal (p.Tyr74*) in the PAPSS2 gene. It is expected to result in an absent or disrupted protein product. Loss-of-function variants in PAPSS2 are known to be pathogenic (PMID: 22791835, 23633440). This variant is present in population databases (rs374379931, gnomAD 0.02%). For these reasons, this variant has been classified as Pathogenic. Algorithms developed to predict the effect of sequence changes on RNA splicing suggest that this variant may create or strengthen a splice site. ClinVar contains an entry for this variant (Variation ID: 505568). This variant has not been reported in the literature in individuals affected with PAPSS2-related conditions.

Laboratory for Molecular Medicine, Mass General Brigham Personalized Medicine
Classification: Likely pathogenic for Brachyolmia. Last evaluated: 2017-04-28. Review status: criteria provided, single submitter. Criteria: LMM Criteria. Collection method: clinical testing. Allele origin: germline. Inheritance: Autosomal recessive inheritance. Observed: 1 variant allele.
Comment: The p.Tyr74X (NM_001015880.1 c.222C>G) variant in PAPSS2 has not been reported i n individuals with brachyolmia. This variant has been identified in 0.029% (3/10 406) of African chromosomes by the Exome Aggregation Consortium (ExAC; dbSNP rs374379931). This nonsense variant leads to a prem ature termination codon at position 74, which is predicted to lead to a truncate d or absent protein. Biallelic loss of function of the PAPSS2 gene has been asso ciated with brachyolmia. In summary, this variant meets criteria to be classifi ed as likely pathogenic for brachyolmia in an autosomal recessive manner based u pon its predicted null effect.

Literature cited by the submitters: PubMed 22791835 (cited by Labcorp Genetics (formerly Invitae), Labcorp); PubMed 23633440 (cited by Labcorp Genetics (formerly Invitae), Labcorp).